The following is an entry in ClinVar:

ClinVar aggregate classification (germline): Likely pathogenic (1 of 4 stars; one submission).

Submission:

GeneDx
Classification: Likely pathogenic. Last evaluated: 2026-06-26. Review status: criteria provided, single submitter. Criteria: GeneDx Variant Classification Process June 2021. Collection method: clinical testing. Allele origin: germline.
Comment: Not observed at significant frequency in large population cohorts (gnomAD); In silico analysis supports that this missense variant has a deleterious effect on protein structure/function; This variant is associated with the following publications: (PMID: 23335590)

NM_004429.5(EFNB1):c.404C>A (p.Thr135Asn)

Gene: EFNB1 (ephrin B1; plus strand). Cytogenetic location: Xq13.1.
Variant type: single nucleotide variant.
Coding change: c.404C>A on transcript NM_004429.5 (MANE Select); coding-DNA position 404, C replaced by A.
Protein change: p.Thr135Asn; replaces threonine 135 with asparagine.
Molecular consequence: missense variant.
Genome position (GRCh38, 1-based): chrX:68,838,892, C>A. VCF-style: chrX-68838892-C-A. GRCh37 (hg19) VCF-style: chrX-68058735-C-A.
Other names: short protein forms T135N.
Identifiers: ClinVar variation 3776329 (VCV003776329.2).